The following is an entry in ClinVar:

NM_001349338.3(FOXP1):c.1241del (p.Leu414fs)

Gene: FOXP1 (forkhead box P1; minus strand). Cytogenetic location: 3p13.
Variant type: Deletion.
Coding change: c.1241del on transcript NM_001349338.3 (MANE Select); coding-DNA position 1241, one base deleted (T; older notation c.1241delT).
Protein change: p.Leu414fs; shifts the reading frame from leucine 414.
Molecular consequence: frameshift variant. On other transcripts: non-coding transcript variant (2).
Genome position (GRCh38, 1-based): chr3:70,977,935, A deleted on the plus strand (T on the coding strand, the reverse complement: FOXP1 is on the minus strand). VCF-style (leftmost placement, unchanged base first): chr3-70977934-CA-C. GRCh37 (hg19) VCF-style: chr3-71027085-CA-C.
Other names: c.1241delT (NM_032682.5); c.1241del (NM_032682.5); c.1241del, p.Leu414fs (NM_001244808.3, NM_001244810.2, NM_001244814.3 and 3 more transcripts); c.1013del, p.Leu338fs (NM_001244812.3); c.941del, p.Leu314fs (NM_001244813.3, NM_001244815.2, NM_001349342.3 and 1 more transcripts); c.938del, p.Leu313fs (NM_001349337.2, NM_001349343.3, NM_001349344.3); c.1241delT, p.Leu414Argfs (NM_001349339.1); c.1238del, p.Leu413fs (NM_001349341.3); short protein forms L313fs, L314fs, L338fs, L413fs, L414fs.
Identifiers: ClinVar variation 1805564 (VCV001805564.8), dbSNP rs2545124711, ClinGen allele CA923726136.

ClinVar aggregate classification (germline): Pathogenic. Review status: criteria provided, multiple submitters, no conflicts (2 of 4 stars). 4 submissions from 4 submitters: Pathogenic (3). 1 of the submissions does not count toward it. Last evaluated 2024-09-09.

Conditions:
Intellectual disability-severe speech delay-mild dysmorphism syndrome (IDDLA). Also called: Mental retardation with language impairment and autistic features; FOXP1 Syndrome; Intellectual developmental disorder with language impairment AND with or without autistic features. Identifiers: Orphanet 391372, MedGen C4013764, MONDO:0013352, OMIM 613670.
FOXP1-related disorder. Also called: FOXP1-related condition.

Allele frequency attached by ClinVar (database versions not stated): gnomAD exomes below 0.00001.

Submissions (4):

Labcorp Genetics (formerly Invitae), Labcorp
Classification: Pathogenic. Last evaluated: 2024-09-09. Review status: criteria provided, single submitter. Criteria: Invitae Variant Classification Sherloc (09022015). Collection method: clinical testing. Allele origin: germline.
Comment: This sequence change creates a premature translational stop signal (p.Leu414Argfs*60) in the FOXP1 gene. It is expected to result in an absent or disrupted protein product. Loss-of-function variants in FOXP1 are known to be pathogenic (PMID: 28735298). This variant is not present in population databases (gnomAD no frequency). This premature translational stop signal has been observed in individual(s) with FOXP1-related conditions (PMID: 30564305, 34109629). ClinVar contains an entry for this variant (Variation ID: 1805564). For these reasons, this variant has been classified as Pathogenic.

GeneDx
Classification: Pathogenic. Last evaluated: 2023-10-19. Review status: criteria provided, single submitter. Criteria: GeneDx Variant Classification Process June 2021. Collection method: clinical testing. Allele origin: germline. Affected: yes.
Comment: Frameshift variant predicted to result in protein truncation or nonsense mediated decay in a gene for which loss of function is a known mechanism of disease; Not observed at significant frequency in large population cohorts (gnomAD); This variant is associated with the following publications: (PMID: 34109629, 30564305)

Victorian Clinical Genetics Services, Murdoch Childrens Research Institute
Classification: Pathogenic for Intellectual disability-severe speech delay-mild dysmorphism syndrome. Last evaluated: 2020-05-25. Review status: criteria provided, single submitter. Criteria: ACMG Guidelines, 2015. Collection method: clinical testing. Allele origin: germline. Inheritance: Autosomal dominant inheritance. Affected: yes.
Comment: Based on the classification scheme VCGS_Germline_v1.1.1, this variant is classified as Pathogenic. Following criteria are met: 0102 - Loss-of-function is a known mechanism of disease for this gene. (N) 0107 - This gene is known to be associated with autosomal dominant disease. (N) 0201 - Variant is predicted to cause nonsense-mediated decay (NMD) and loss of protein (exon 15 of 21). (P) 0251 - Variant is heterozygous. (N) 0301 - Variant is absent from gnomAD. (P) 0701 - Comparable variants have very strong previous evidence for pathogenicity. Multiple variants predicted to result in NMD have been reported pathogenic (ClinVar, Decipher). (P) 0807 - Variant has not previously been reported in a clinical context. (N) 0905 - No segregation evidence has been identified for this variant. (N) 1007 - No published functional evidence has been identified for this variant. (N) 1208 - Inheritance information for this variant is not currently available. (N) Legend: (P) - Pathogenic, (N) - Neutral, (B) - Benign

PreventionGenetics, part of Exact Sciences
Classification: Pathogenic for FOXP1-related condition. Last evaluated: 2023-12-18. Review status: no assertion criteria provided. Collection method: clinical testing. Allele origin: germline. Not counted in ClinVar's aggregate classification.
Comment: The FOXP1 c.1241delT variant is predicted to result in a frameshift and premature protein termination (p.Leu414Argfs*60). This variant was reported as de novo variant in two individuals with autism spectrum disorder (Guo et al 2018. PubMed ID: 30564305; Braden et al 2021. PubMed ID: 34109629). This variant has not been reported in a large population database, indicating this variant is rare. Frameshift variants in FOXP1 are expected to be pathogenic. This variant is interpreted as pathogenic.

Literature cited by the submitters: PubMed 28735298 (cited by Labcorp Genetics (formerly Invitae), Labcorp); PubMed 30564305 (cited by Labcorp Genetics (formerly Invitae), Labcorp); PubMed 34109629 (cited by Labcorp Genetics (formerly Invitae), Labcorp).